The following is an entry in ClinVar:

NM_080424.4(SP110):c.898+1G>A

Genes: SP110 (SP110 nuclear body protein; minus strand), SP140 (SP140 nuclear body protein; plus strand). Cytogenetic location: 2q37.1.
Variant type: single nucleotide variant.
Coding change: c.898+1G>A on transcript NM_080424.4 (MANE Select); the canonical splice donor site of the intron after coding-DNA position 898, G replaced by A.
Molecular consequence: splice donor variant.
Genome position (GRCh38, 1-based): chr2:230,207,990, C>T on the plus strand (G>A on the coding strand, the complement: SP110 is on the minus strand). VCF-style: chr2-230207990-C-T. GRCh37 (hg19) VCF-style: chr2-231072705-C-T.
Other names: c.916+1G>A (NM_001378446.1, NM_001378445.1, NM_001378442.1 and 2 more transcripts); c.898+1G>A (NM_004509.5, NM_001378443.1, NM_001378447.1 and 1 more transcripts).
Identifiers: ClinVar variation 1305955 (VCV001305955.2), dbSNP rs2148896549, ClinGen allele CA350912921.
Genomic context (GRCh38, chr2:230,207,990, plus strand): 5'-ACCTACAAGCCCTGCATGAGCTGTTTCCAGCCTCCAGCTTCCTCTTGTACTCTCATCTTA[C>T]CTCCTGGGAGGCTTTTTTTCTTATGTCTCCTTTTTGGAGTTGACCAGATACATCTTTTTC-3'

ClinVar aggregate classification (germline): Uncertain significance (1 of 4 stars; one submission).

Submission:

GeneDx
Classification: Uncertain significance. Last evaluated: 2019-05-24. Review status: criteria provided, single submitter. Criteria: GeneDx Variant Classification Process June 2021. Collection method: clinical testing. Allele origin: germline. Affected: yes.
Comment: Has not been previously published as pathogenic or benign to our knowledge; Not observed in large population cohorts (Lek et al., 2016); Canonical splice site variant predicted to result in an in-frame deletion of exon